The following is an entry in ClinVar:

ClinVar aggregate classification (germline): Uncertain significance. Review status: criteria provided, multiple submitters, no conflicts (2 of 4 stars). 2 submissions from 2 submitters: Uncertain significance (2). Last evaluated 2024-04-10.

Conditions:
Pancreatic cancer, susceptibility to, 1. Identifiers: Orphanet 1333, MedGen C1847351, MONDO:0011739, OMIM 606856.

Submissions (2):

Fulgent Genetics
Classification: Uncertain significance for Pancreatic cancer, susceptibility to, 1. Last evaluated: 2024-04-10. Review status: criteria provided, single submitter. Criteria: ACMG Guidelines, 2015. Collection method: clinical testing. Allele origin: germline.

Ambry Genetics
Classification: Uncertain significance. Last evaluated: 2022-05-07. Review status: criteria provided, single submitter. Criteria: Ambry Variant Classification Scheme 2023. Collection method: clinical testing. Allele origin: germline.
Comment: The p.P648S variant (also known as c.1942C>T), located in coding exon 9 of the PALLD gene, results from a C to T substitution at nucleotide position 1942. The proline at codon 648 is replaced by serine, an amino acid with similar properties. This amino acid position is conserved. In addition, the in silico prediction for this alteration is inconclusive. Since supporting evidence is limited at this time, the clinical significance of this alteration remains unclear.

NM_001166108.2(PALLD):c.1942C>T (p.Pro648Ser)

Gene: PALLD (palladin, cytoskeletal associated protein; plus strand). Cytogenetic location: 4q32.3.
Variant type: single nucleotide variant.
Coding change: c.1942C>T on transcript NM_001166108.2 (MANE Select); coding-DNA position 1942, C replaced by T.
Protein change: p.Pro648Ser; replaces proline 648 with serine.
Molecular consequence: missense variant.
Genome position (GRCh38, 1-based): chr4:168,711,901, C>T. VCF-style: chr4-168711901-C-T. GRCh37 (hg19) VCF-style: chr4-169633052-C-T.
Other names: c.1942C>T, p.Pro648Ser (NM_016081.4); c.796C>T, p.Pro266Ser (NM_001166109.2); short protein forms P266S, P648S.
Identifiers: ClinVar variation 1783073 (VCV001783073.3), dbSNP rs1784871346, ClinGen allele CA358798858.